The following is an entry in ClinVar:

ClinVar aggregate classification (germline): Uncertain significance. Review status: criteria provided, multiple submitters, no conflicts (2 of 4 stars). 3 submissions from 3 submitters: Uncertain significance (3). Last evaluated 2024-03-24.

Conditions:
Hereditary cancer-predisposing syndrome. Also called: Neoplastic Syndromes, Hereditary; Tumor predisposition; Hereditary Cancer Syndrome; Hereditary neoplastic syndrome. Identifiers: Orphanet 140162, MedGen C0027672, MeSH D009386, MONDO:0015356.
Lynch syndrome. Identifiers: Orphanet 144, MedGen C4552100, MONDO:0005835. Disease mechanism: loss of function.

Submissions (3):

All of Us Research Program, National Institutes of Health
Classification: Uncertain significance for Lynch syndrome. Last evaluated: 2024-03-24. Review status: criteria provided, single submitter. Criteria: ACMG Guidelines, 2015. Collection method: clinical testing. Allele origin: germline. Inheritance: Autosomal dominant inheritance. Observed: 1 variant allele, 1 heterozygote.
Comment: This missense variant replaces aspartic acid with tyrosine at codon 904 of the MSH6 protein. Computational prediction suggests that this variant may have deleterious impact on protein structure and function (internally defined REVEL score threshold >= 0.7, PMID: 27666373). Splice site prediction tools suggest that this variant may not impact RNA splicing. To our knowledge, functional studies have not been performed for this variant. This variant has not been reported in individuals affected with hereditary cancer in the literature. This variant has not been identified in the general population by the Genome Aggregation Database (gnomAD). The available evidence is insufficient to determine the role of this variant in disease conclusively. Therefore, this variant is classified as a Variant of Uncertain Significance.

This study involves interpretation of variants in research participants for the purpose of population health screening. Participant phenotype was not available at the time of variant classification. Additional details can be found in publication PMID: 35346344, PMCID: PMC8962531

Color Diagnostics, LLC DBA Color Health
Classification: Uncertain significance for Hereditary cancer-predisposing syndrome. Last evaluated: 2024-03-06. Review status: criteria provided, single submitter. Criteria: ACMG Guidelines, 2015. Collection method: clinical testing. Allele origin: germline.
Comment: This missense variant replaces aspartic acid with tyrosine at codon 904 of the MSH6 protein. Computational prediction suggests that this variant may have deleterious impact on protein structure and function (internally defined REVEL score threshold >= 0.7, PMID: 27666373). To our knowledge, functional studies have not been reported for this variant. This variant has not been reported in individuals affected with MSH6-related disorders in the literature. This variant has not been identified in the general population by the Genome Aggregation Database (gnomAD). The available evidence is insufficient to determine the role of this variant in disease conclusively. Therefore, this variant is classified as a Variant of Uncertain Significance.

Ambry Genetics
Classification: Uncertain significance for Hereditary cancer-predisposing syndrome. Last evaluated: 2022-09-11. Review status: criteria provided, single submitter. Criteria: Ambry Variant Classification Scheme 2023. Collection method: clinical testing. Allele origin: germline.
Comment: The p.D904Y variant (also known as c.2710G>T), located in coding exon 4 of the MSH6 gene, results from a G to T substitution at nucleotide position 2710. The aspartic acid at codon 904 is replaced by tyrosine, an amino acid with highly dissimilar properties. This amino acid position is conserved. In addition, this alteration is predicted to be deleterious by in silico analysis. Since supporting evidence is limited at this time, the clinical significance of this alteration remains unclear.

NM_000179.3(MSH6):c.2710G>T (p.Asp904Tyr)

Gene: MSH6 (mutS homolog 6; plus strand). Cytogenetic location: 2p16.3.
Variant type: single nucleotide variant.
Coding change: c.2710G>T on transcript NM_000179.3 (MANE Select); coding-DNA position 2710, G replaced by T.
Protein change: p.Asp904Tyr; replaces aspartic acid 904 with tyrosine.
Molecular consequence: missense variant.
Genome position (GRCh38, 1-based): chr2:47,800,693, G>T. VCF-style: chr2-47800693-G-T. GRCh37 (hg19) VCF-style: chr2-48027832-G-T.
Other names: c.2320G>T, p.Asp774Tyr (NM_001281492.2); c.1804G>T, p.Asp602Tyr (NM_001281493.2, NM_001281494.2); short protein forms D774Y, D904Y, D602Y.
Identifiers: ClinVar variation 920024 (VCV000920024.7), dbSNP rs1379402512, ClinGen allele CA346755336.
Genomic context (GRCh38, chr2:47,800,693, plus strand): 5'-TCTAAAATCCTTAAGCAGGTCATCTCTCTGCAGACAAAAAATCCTGAAGGTCGTTTTCCT[G>T]ATTTGACTGTAGAATTGAACCGATGGGATACAGCCTTTGACCATGAAAAGGCTCGAAAGA-3'
Protein context (NP_000170.1, residues 894-914): QTKNPEGRFP[Asp904Tyr]LTVELNRWDT